The following is an entry in ClinVar:

ClinVar aggregate classification (germline): Uncertain significance. Review status: criteria provided, multiple submitters, no conflicts (2 of 4 stars). 2 submissions from 2 submitters: Uncertain significance (2). Last evaluated 2024-02-24.

Allele frequency attached by ClinVar (database versions not stated): ExAC 0.00001; gnomAD 0.00001; gnomAD exomes 0.00002.
gnomAD v4.1: 6 of 1,614,028 alleles (0.00037%); highest among the groups gnomAD compares: Admixed American, 0.01%; no homozygotes.

Submissions (2):

Labcorp Genetics (formerly Invitae), Labcorp
Classification: Uncertain significance. Last evaluated: 2024-02-24. Review status: criteria provided, single submitter. Criteria: Invitae Variant Classification Sherloc (09022015). Collection method: clinical testing. Allele origin: germline.
Comment: This sequence change replaces glutamic acid, which is acidic and polar, with glutamine, which is neutral and polar, at codon 87 of the MERTK protein (p.Glu87Gln). This variant is present in population databases (rs751346459, gnomAD 0.01%). This variant has not been reported in the literature in individuals affected with MERTK-related conditions. ClinVar contains an entry for this variant (Variation ID: 935508). Advanced modeling of protein sequence and biophysical properties (such as structural, functional, and spatial information, amino acid conservation, physicochemical variation, residue mobility, and thermodynamic stability) has been performed at Invitae for this missense variant, however the output from this modeling did not meet the statistical confidence thresholds required to predict the impact of this variant on MERTK protein function. In summary, the available evidence is currently insufficient to determine the role of this variant in disease. Therefore, it has been classified as a Variant of Uncertain Significance.

Blueprint Genetics
Classification: Uncertain significance. Last evaluated: 2021-12-23. Review status: criteria provided, single submitter. Criteria: ACMG Guidelines, 2015. Collection method: clinical testing. Allele origin: germline.

NM_006343.3(MERTK):c.259G>C (p.Glu87Gln)

Gene: MERTK (MER proto-oncogene, tyrosine kinase; plus strand). Cytogenetic location: 2q13.
Variant type: single nucleotide variant.
Coding change: c.259G>C on transcript NM_006343.3 (MANE Select); coding-DNA position 259, G replaced by C.
Protein change: p.Glu87Gln; replaces glutamic acid 87 with glutamine.
Molecular consequence: missense variant.
Genome position (GRCh38, 1-based): chr2:111,929,317, G>C. VCF-style: chr2-111929317-G-C. GRCh37 (hg19) VCF-style: chr2-112686894-G-C.
Other names: short protein forms E87Q.
Identifiers: ClinVar variation 935508 (VCV000935508.10), dbSNP rs751346459, ClinGen allele CA1831006.